The following is an entry in ClinVar:

NM_004380.3(CREBBP):c.3706T>C (p.Phe1236Leu)

Gene: CREBBP (CREB binding lysine acetyltransferase; minus strand). Cytogenetic location: 16p13.3.
Variant type: single nucleotide variant.
Coding change: c.3706T>C on transcript NM_004380.3 (MANE Select); coding-DNA position 3706, T replaced by C.
Protein change: p.Phe1236Leu; replaces phenylalanine 1236 with leucine.
Molecular consequence: missense variant.
Genome position (GRCh38, 1-based): chr16:3,751,799, A>G on the plus strand (T>C on the coding strand, the complement: CREBBP is on the minus strand). VCF-style: chr16-3751799-A-G. GRCh37 (hg19) VCF-style: chr16-3801800-A-G.
Other names: c.3592T>C, p.Phe1198Leu (NM_001079846.1); short protein forms F1198L, F1236L.
Identifiers: ClinVar variation 3704621 (VCV003704621.2).

ClinVar aggregate classification (germline): Uncertain significance (1 of 4 stars; one submission).

Conditions:
Rubinstein-Taybi syndrome (RSTS). Identifiers: Orphanet 783, MedGen C0035934, MONDO:0019188.

gnomAD v4.1: 5 of 1,614,110 alleles (0.00031%); highest among the groups gnomAD compares: Non-Finnish European, 0.00042%; no homozygotes.

Submission:

Labcorp Genetics (formerly Invitae), Labcorp
Classification: Uncertain significance for Rubinstein-Taybi syndrome. Last evaluated: 2024-06-08. Review status: criteria provided, single submitter. Criteria: Invitae Variant Classification Sherloc (09022015). Collection method: clinical testing. Allele origin: germline.
Comment: This sequence change replaces phenylalanine, which is neutral and non-polar, with leucine, which is neutral and non-polar, at codon 1236 of the CREBBP protein (p.Phe1236Leu). This variant is not present in population databases (gnomAD no frequency). This variant has not been reported in the literature in individuals affected with CREBBP-related conditions. Advanced modeling of protein sequence and biophysical properties (such as structural, functional, and spatial information, amino acid conservation, physicochemical variation, residue mobility, and thermodynamic stability) performed at Invitae indicates that this missense variant is expected to disrupt CREBBP protein function with a positive predictive value of 80%. In summary, the available evidence is currently insufficient to determine the role of this variant in disease. Therefore, it has been classified as a Variant of Uncertain Significance.